The following is an entry in ClinVar:

ClinVar aggregate classification (germline): Benign (1 of 4 stars; one submission).

Allele frequency attached by ClinVar (database versions not stated): 1000 Genomes Project 30x 0.02186; 1000 Genomes Project 0.02196; TOPMed 0.03343; gnomAD exomes 0.04775; gnomAD 0.03929 and 0.03953.

Submission:

GeneDx
Classification: Benign. Last evaluated: 2018-06-14. Review status: criteria provided, single submitter. Criteria: GeneDx Variant Classification (06012015). Collection method: clinical testing. Allele origin: germline. Affected: yes.
Comment: This variant is considered likely benign or benign based on one or more of the following criteria: it is a conservative change, it occurs at a poorly conserved position in the protein, it is predicted to be benign by multiple in silico algorithms, and/or has population frequency not consistent with disease.

NM_002489.3(COXFA4):c.-253T>C

Gene: COXFA4 (cytochrome c oxidase associated subunit FA4; minus strand). Cytogenetic location: 7p21.3.
Variant type: single nucleotide variant.
Coding change: c.-253T>C on transcript NM_002489.3; 253 bases upstream of the start codon, T replaced by C.
Genome position (GRCh38, 1-based): chr7:10,940,310, A>G on the plus strand (T>C on the coding strand, the complement: COXFA4 is on the minus strand). VCF-style: chr7-10940310-A-G. GRCh37 (hg19) VCF-style: chr7-10979937-A-G.
Identifiers: ClinVar variation 676243 (VCV000676243.3), dbSNP rs112961586, ClinGen allele CA12532029.